The following is an entry in ClinVar:

NM_003322.6(TULP1):c.1378G>T (p.Glu460Ter)

Gene: TULP1 (TUB like protein 1; minus strand). Cytogenetic location: 6p21.31.
Variant type: single nucleotide variant.
Coding change: c.1378G>T on transcript NM_003322.6 (MANE Select); coding-DNA position 1378, G replaced by T.
Protein change: p.Glu460Ter; replaces glutamic acid 460 with a stop codon.
Molecular consequence: nonsense.
Genome position (GRCh38, 1-based): chr6:35,500,098, C>A on the plus strand (G>T on the coding strand, the complement: TULP1 is on the minus strand). VCF-style: chr6-35500098-C-A. GRCh37 (hg19) VCF-style: chr6-35467875-C-A.
Other names: c.1219G>T, p.Glu407Ter (NM_001289395.2); short protein forms E460*, E407*.
Identifiers: ClinVar variation 952456 (VCV000952456.8), dbSNP rs753517944, ClinGen allele CA363778878.
Genomic context (GRCh38, chr6:35,500,098, plus strand): 5'-GGAAGTTGAGGGTGTAGGAGCCACTGTCATCGTTCCAGACAGGTGGCTTGTTGTGCAGTT[C>A]TATGAGGCTCTCCAGCGTCTTGTTCTGCCAGCGCACCAGCAGGCCGTCACTAGCCTGGGG-3'

ClinVar aggregate classification (germline): Pathogenic/Likely pathogenic. Review status: criteria provided, multiple submitters, no conflicts (2 of 4 stars). 2 submissions from 2 submitters: Pathogenic (1); Likely pathogenic (1). Last evaluated 2025-03-31.

Conditions:
TULP1-related disorder. Also called: TULP1-related disorders; TULP1-related condition.

Submissions (2):

Labcorp Genetics (formerly Invitae), Labcorp
Classification: Pathogenic. Last evaluated: 2025-03-31. Review status: criteria provided, single submitter. Criteria: Invitae Variant Classification Sherloc (09022015). Collection method: clinical testing. Allele origin: germline.
Comment: This sequence change creates a premature translational stop signal (p.Glu460*) in the TULP1 gene. It is expected to result in an absent or disrupted protein product. Loss-of-function variants in TULP1 are known to be pathogenic (PMID: 8606774, 10549638, 15024725, 18055821). This variant is not present in population databases (gnomAD no frequency). This variant has not been reported in the literature in individuals affected with TULP1-related conditions. ClinVar contains an entry for this variant (Variation ID: 952456). For these reasons, this variant has been classified as Pathogenic.

Blueprint Genetics
Classification: Likely pathogenic for TULP1-related disorders. Last evaluated: 2019-09-05. Review status: criteria provided, single submitter. Criteria: ACMG Guidelines, 2015. Collection method: clinical testing. Allele origin: germline. Affected: yes. Observed: 1 variant allele.

Literature cited by the submitters: PubMed 8606774 (cited by Labcorp Genetics (formerly Invitae), Labcorp); PubMed 10549638 (cited by Labcorp Genetics (formerly Invitae), Labcorp); PubMed 15024725 (cited by Labcorp Genetics (formerly Invitae), Labcorp); PubMed 18055821 (cited by Labcorp Genetics (formerly Invitae), Labcorp).